The following is an entry in ClinVar:

NM_198428.3(BBS9):c.2261C>T (p.Ala754Val)

Gene: BBS9 (Bardet-Biedl syndrome 9; plus strand). Cytogenetic location: 7p14.3.
Variant type: single nucleotide variant.
Coding change: c.2261C>T on transcript NM_198428.3 (MANE Select); coding-DNA position 2261, C replaced by T.
Protein change: p.Ala754Val; replaces alanine 754 with valine.
Molecular consequence: missense variant. On other transcripts: non-coding transcript variant (3), intron variant (1).
Genome position (GRCh38, 1-based): chr7:33,505,608, C>T. VCF-style: chr7-33505608-C-T. GRCh37 (hg19) VCF-style: chr7-33545220-C-T.
Other names: c.2156C>T, p.Ala719Val (NM_001033604.2); c.2246C>T, p.Ala749Val (NM_001033605.2); c.2261C>T, p.Ala754Val (NM_001348036.1, NM_001348041.4, NM_001348043.3 and 3 more transcripts); c.1988C>T, p.Ala663Val (NM_001348038.3); c.1883C>T, p.Ala628Val (NM_001348039.3); c.2141C>T, p.Ala714Val (NM_001348040.3, NM_014451.4); c.2126C>T, p.Ala709Val (NM_001348042.3); c.1790C>T, p.Ala597Val (NM_001348044.3); and 3 more; short protein forms A597V, A663V, A714V, A754V, A628V, A719V, A632V, A749V.
Identifiers: ClinVar variation 1979079 (VCV001979079.3), dbSNP rs567750476, ClinGen allele CA4214640.

ClinVar aggregate classification (germline): Uncertain significance. Review status: criteria provided, multiple submitters, no conflicts (2 of 4 stars). 3 submissions from 3 submitters: Uncertain significance (3). Last evaluated 2026-01-30.

Conditions:
BBS9-related disorder. Also called: BBS9-related condition.
Bardet-Biedl syndrome (BBS). Identifiers: Orphanet 110, MedGen C0752166, MONDO:0015229.

Allele frequency attached by ClinVar (database versions not stated): gnomAD exomes 0.00001; TOPMed 0.00001; gnomAD 0.00003; ExAC 0.00004; 1000 Genomes Project 30x 0.00047; 1000 Genomes Project 0.00060.
gnomAD v4.1: 26 of 1,613,908 alleles (0.0016%); highest among the groups gnomAD compares: South Asian, 0.012%; no homozygotes.

Submissions (3):

PreventionGenetics, part of Exact Sciences
Classification: Uncertain significance for BBS9-related condition. Last evaluated: 2026-01-30. Review status: criteria provided, single submitter. Criteria: ACMG Guidelines, 2015. Collection method: clinical testing. Allele origin: germline.
Comment: The BBS9 c.2261C>T variant is predicted to result in the amino acid substitution p.Ala754Val. To our knowledge, this variant has not been reported in the literature. This variant is reported in 0.013% of alleles in individuals of South Asian descent in gnomAD. At this time, the clinical significance of this variant is uncertain due to the absence of conclusive functional and genetic evidence.

Blueprint Genetics
Classification: Uncertain significance. Last evaluated: 2024-07-08. Review status: criteria provided, single submitter. Criteria: ACMG Guidelines, 2015. Collection method: clinical testing. Allele origin: germline.

Labcorp Genetics (formerly Invitae), Labcorp
Classification: Uncertain significance for Bardet-Biedl syndrome. Last evaluated: 2022-04-09. Review status: criteria provided, single submitter. Criteria: Invitae Variant Classification Sherloc (09022015). Collection method: clinical testing. Allele origin: germline.
Comment: This sequence change replaces alanine, which is neutral and non-polar, with valine, which is neutral and non-polar, at codon 754 of the BBS9 protein (p.Ala754Val). This variant is present in population databases (rs567750476, gnomAD 0.02%). This variant has not been reported in the literature in individuals affected with BBS9-related conditions. Algorithms developed to predict the effect of missense changes on protein structure and function are either unavailable or do not agree on the potential impact of this missense change (SIFT: "Deleterious"; PolyPhen-2: "Possibly Damaging"; Align-GVGD: "Class C0"). In summary, the available evidence is currently insufficient to determine the role of this variant in disease. Therefore, it has been classified as a Variant of Uncertain Significance.